The following is an entry in ClinVar:

ClinVar aggregate classification (germline): Likely pathogenic (1 of 4 stars; one submission).

Conditions:
Dilated cardiomyopathy 1G (CMD1G). Identifiers: Orphanet 154, MedGen C1858763, MONDO:0011400, OMIM 604145.
Autosomal recessive limb-girdle muscular dystrophy type 2J (LGMDR10). Also called: Limb-girdle muscular dystrophy, type 2J; MUSCULAR DYSTROPHY, LIMB-GIRDLE, AUTOSOMAL RECESSIVE 10. Identifiers: Orphanet 140922, MedGen C1837342, MONDO:0012127, OMIM 608807.

Submission:

Labcorp Genetics (formerly Invitae), Labcorp
Classification: Likely pathogenic for Dilated cardiomyopathy 1G; Autosomal recessive limb-girdle muscular dystrophy type 2J. Last evaluated: 2024-12-25. Review status: criteria provided, single submitter. Criteria: Invitae Variant Classification Sherloc (09022015). Collection method: clinical testing. Allele origin: germline.
Comment: This sequence change creates a premature translational stop signal (p.Met1432Cysfs*30) in the TTN gene. While this is not anticipated to result in nonsense mediated decay, it is expected to create a truncated TTN protein. This variant is not present in population databases (gnomAD no frequency). This variant has not been reported in the literature in individuals affected with TTN-related conditions. ClinVar contains an entry for this variant (Variation ID: 2921897). This variant is located in the Z band of TTN (PMID: 25589632). Truncating variants in this region have been reported in individuals affected with autosomal recessive centronuclear myopathy (PMID: 33449170, internal data). Truncating variants in this region have also been identified in individuals affected with autosomal dominant dilated cardiomyopathy and/or cardio-related conditions (PMID: 27869827, 32964742, internal data). In summary, the currently available evidence indicates that the variant is pathogenic, but additional data are needed to prove that conclusively. Therefore, this variant has been classified as Likely Pathogenic.

Literature cited by the submitters: PubMed 25589632; PubMed 33449170; PubMed 27869827; PubMed 32964742.

NM_001267550.2(TTN):c.4293del (p.Met1432fs)

Genes: TTN (titin; minus strand), LOC101927055 (uncharacterized LOC101927055; plus strand). Cytogenetic location: 2q31.2.
Variant type: Deletion.
Coding change: c.4293del on transcript NM_001267550.2 (MANE Select); coding-DNA position 4293, one base deleted (G; older notation c.4293delG).
Protein change: p.Met1432fs; shifts the reading frame from methionine 1432.
Molecular consequence: frameshift variant. On other transcripts: non-coding transcript variant (1).
Genome position (GRCh38, 1-based): chr2:178,777,891, C deleted on the plus strand (G on the coding strand, the reverse complement: TTN is on the minus strand); the first of 2 consecutive C bases (chr2:178,777,891-178,777,892); deleting either gives the same sequence. VCF-style (leftmost placement, unchanged base first): chr2-178777890-TC-T. GRCh37 (hg19) VCF-style: chr2-179642617-TC-T.
Other names: c.4293del, p.Met1432fs (NM_001256850.1, NM_133378.4, NM_133379.5); c.4155del, p.Met1386fs (NM_003319.4, NM_133432.3, NM_133437.4); short protein forms M1386fs, M1432fs.
Identifiers: ClinVar variation 2921897 (VCV002921897.3), dbSNP rs2532974474, ClinGen allele CA2740096303.